The following is an entry in ClinVar:

NM_012418.4(FSCN2):c.1321_1323del (p.Ser441del)

Gene: FSCN2 (fascin actin-bundling protein 2, retinal; plus strand). Cytogenetic location: 17q25.3.
Variant type: Deletion.
Coding change: c.1321_1323del on transcript NM_012418.4 (MANE Select); coding-DNA positions 1321 to 1323, 3 bases deleted (AGC; older notation c.1321_1323delAGC).
Protein change: p.Ser441del; deletes serine 441.
Molecular consequence: inframe deletion.
Genome position (GRCh38, 1-based): chr17:81,536,922-81,536,924, AGC deleted; deleting any 3 consecutive bases within chr17:81,536,920-81,536,924 gives the same sequence; the c. name uses the placement nearest the transcript's 3' end. VCF-style (leftmost placement, unchanged base first): chr17-81536919-TGCA-T. GRCh37 (hg19) VCF-style: chr17-79503945-TGCA-T.
Other names: c.1393_1395del, p.Ser465del (NM_001077182.3); short protein forms S465del, S441del.
Identifiers: ClinVar variation 2057124 (VCV002057124.4), dbSNP rs1184738017, ClinGen allele CA628022727.

ClinVar aggregate classification (germline): Uncertain significance (1 of 4 stars; one submission).

Submission:

Labcorp Genetics (formerly Invitae), Labcorp
Classification: Uncertain significance. Last evaluated: 2021-12-24. Review status: criteria provided, single submitter. Criteria: Invitae Variant Classification Sherloc (09022015). Collection method: clinical testing. Allele origin: germline.
Comment: In summary, the available evidence is currently insufficient to determine the role of this variant in disease. Therefore, it has been classified as a Variant of Uncertain Significance. This variant, c.1393_1395del, results in the deletion of 1 amino acid(s) of the FSCN2 protein (p.Ser465del), but otherwise preserves the integrity of the reading frame. This variant is present in population databases (no rsID available, gnomAD 0.001%). This variant has not been reported in the literature in individuals affected with FSCN2-related conditions. Experimental studies and prediction algorithms are not available or were not evaluated, and the functional significance of this variant is currently unknown.